The following is an entry in ClinVar:

NM_152594.3(SPRED1):c.818G>A (p.Arg273Lys)

Gene: SPRED1 (sprouty related EVH1 domain containing 1; plus strand). Cytogenetic location: 15q14.
Variant type: single nucleotide variant.
Coding change: c.818G>A on transcript NM_152594.3 (MANE Select); coding-DNA position 818, G replaced by A.
Protein change: p.Arg273Lys; replaces arginine 273 with lysine.
Molecular consequence: missense variant.
Genome position (GRCh38, 1-based): chr15:38,351,147, G>A. VCF-style: chr15-38351147-G-A. GRCh37 (hg19) VCF-style: chr15-38643348-G-A.
Other names: short protein forms R273K.
Identifiers: ClinVar variation 4865014 (VCV004865014.1).

ClinVar aggregate classification (germline): Uncertain significance (1 of 4 stars; one submission).

Conditions:
Cardiovascular phenotype. Identifiers: MedGen CN230736.

Submission:

Ambry Genetics
Classification: Uncertain significance for Cardiovascular phenotype. Last evaluated: 2026-03-31. Review status: criteria provided, single submitter. Criteria: Ambry Variant Classification Scheme 2023. Collection method: clinical testing. Allele origin: germline.
Comment: The p.R273K variant (also known as c.818G>A), located in coding exon 7 of the SPRED1 gene, results from a G to A substitution at nucleotide position 818. The arginine at codon 273 is replaced by lysine, an amino acid with highly similar properties. This amino acid position is conserved. In addition, the in silico prediction for this alteration is inconclusive. Based on the available evidence, the clinical significance of this variant remains unclear.